The following is an entry in ClinVar:

NM_001081.4(CUBN):c.2082C>T (p.Gly694=)

Gene: CUBN (cubilin; minus strand). Cytogenetic location: 10p13.
Variant type: single nucleotide variant.
Coding change: c.2082C>T on transcript NM_001081.4 (MANE Select); coding-DNA position 2082, C replaced by T.
Protein change: p.Gly694=; no amino-acid change (glycine 694 retained).
Molecular consequence: synonymous variant.
Genome position (GRCh38, 1-based): chr10:17,085,625, G>A on the plus strand (C>T on the coding strand, the complement: CUBN is on the minus strand). VCF-style: chr10-17085625-G-A. GRCh37 (hg19) VCF-style: chr10-17127624-G-A.
Identifiers: ClinVar variation 1711255 (VCV001711255.30), dbSNP rs754296666, ClinGen allele CA5425112.
Genomic context (GRCh38, chr10:17,085,625, plus strand): 5'-CCTCTTAAGCCCCCAACTGGTAGGTTACTTACAAGGTGATGTTAAGTAGGTGATATGGAA[G>A]CCTTGGTCACTAATCTGGGAGTCTGAATGGAAGTGAATTCTGGCAAAGGGGCCAGTAGTC-3'
Protein context (NP_001072.2, residues 684-704): FHSDSQISDQ[Gly694=]FHITYLTSPS

ClinVar aggregate classification (germline): Likely benign (1 of 4 stars; one submission).

Allele frequency attached by ClinVar (database versions not stated): gnomAD exomes below 0.00001; TOPMed 0.00001; ExAC 0.00002.
gnomAD v4.1: 7 of 1,614,174 alleles (0.00043%); highest among the groups gnomAD compares: Admixed American, 0.0033%; no homozygotes.

Submission:

CeGaT Center for Human Genetics Tuebingen
Classification: Likely benign. Last evaluated: 2022-07-01. Review status: criteria provided, single submitter. Criteria: CeGaT Center For Human Genetics Tuebingen Variant Classification Criteria Version 2. Collection method: clinical testing. Allele origin: germline. Affected: yes. Observed: 1 variant allele.
Comment: CUBN: BP4, BP7